The following is an entry in ClinVar:

ClinVar aggregate classification (germline): Pathogenic. Review status: reviewed by expert panel (3 of 4 stars). 25 submissions from 25 submitters: Pathogenic (1). 24 of the submissions do not count toward it. Last evaluated 2016-04-22.

Conditions:
Pancreatic cancer, susceptibility to, 2. Identifiers: Orphanet 1333, MedGen C3150546, MONDO:0013235, OMIM 613347.
Glioma susceptibility 3 (GLM3). Also called: Glioblastoma 3. Identifiers: Orphanet 182067, Orphanet 360, MedGen C2751641, MONDO:0013093, OMIM 613029.
Familial prostate cancer. Also called: Hereditary Prostate Cancer. Identifiers: MedGen C2931456, MONDO:0700275, OMIM 176807.
Breast-ovarian cancer, familial, susceptibility to, 2 (BROVCA2). Also called: BRCA2 Hereditary Breast and Ovarian Cancer. Identifiers: Orphanet 145, MedGen C2675520, MONDO:0012933, OMIM 612555. Disease mechanism: loss of function.
Fanconi anemia complementation group D1. Also called: BRCA2-Related Fanconi Anemia. Identifiers: Orphanet 319462, MedGen C1838457, MONDO:0011584, OMIM 605724.
Medulloblastoma (MDB). Also called: Medulloblastoma, somatic; MEDULLOBLASTOMA PREDISPOSITION SYNDROME. Identifiers: Orphanet 616, MedGen C0025149, MeSH D008527, MONDO:0007959, OMIM 155255, HP:0002885.
Wilms tumor 1 (WT1). Also called: Wilms tumor, somatic. Identifiers: Orphanet 654, MedGen CN033288, MONDO:0008679, OMIM 194070.
Familial cancer of breast. Also called: BREAST CANCER, FAMILIAL; hereditary breast carcinoma; Hereditary breast cancer. Identifiers: Orphanet 227535, MedGen C0346153, MONDO:0016419, OMIM 114480. Disease mechanism: loss of function.
BRCA2-related disorder. Also called: BRCA2-related condition; BRCA2-related disorders. Identifiers: MedGen CN239275.
Breast and/or ovarian cancer. Identifiers: MedGen CN221562.
Hereditary cancer-predisposing syndrome. Also called: Neoplastic Syndromes, Hereditary; Tumor predisposition; Hereditary Cancer Syndrome; Hereditary neoplastic syndrome. Identifiers: Orphanet 140162, MedGen C0027672, MeSH D009386, MONDO:0015356.
Hereditary breast ovarian cancer syndrome. Also called: Breast and ovarian cancer; Hereditary breast and ovarian cancer; Hereditary breast and ovarian cancer syndrome (HBOC); Hereditary breast and ovarian cancer syndrome; BRCA1- and BRCA2-Associated Hereditary Breast and Ovarian Cancer; Hereditary breast and/or ovarian cancer syndrome. Identifiers: Orphanet 145, MedGen C0677776, MeSH D061325, MONDO:0003582. Disease mechanism: loss of function.

Allele frequency attached by ClinVar (database versions not stated): gnomAD exomes below 0.00001 and 0.00001; ExAC 0.00001; TOPMed 0.00001.

Submissions 1 to 12 of 25:

Evidence-based Network for the Interpretation of Germline Mutant Alleles (ENIGMA)
Classification: Pathogenic for Breast-ovarian cancer, familial, susceptibility to, 2. Last evaluated: 2016-04-22. Review status: reviewed by expert panel. Criteria: ENIGMA BRCA1/2 Classification Criteria (2015). Collection method: curation. Allele origin: germline.
Comment: Variant allele predicted to encode a truncated non-functional protein.

PreventionGenetics, part of Exact Sciences
Classification: Pathogenic for BRCA2-related condition. Last evaluated: 2026-01-24. Review status: criteria provided, single submitter. Criteria: ACMG Guidelines, 2015. Collection method: clinical testing. Allele origin: germline. Not counted in ClinVar's aggregate classification.
Comment: The BRCA2 c.5217_5223del7 variant is predicted to result in premature protein termination (p.Tyr1739*). This frameshift variant results in a premature termination codon. This variant has been reported in individuals with breast cancer and ovarian cancer (Malone et al 2000. PubMed ID: 10717622; Høberg-Vetti H et al 2015. PubMed ID: 26350514). This variant is reported in 0.00089% of alleles in individuals of European (Non-Finnish) descent in gnomAD and is interpreted as pathogenic in ClinVar (Variation: 51822). Nonsense variants in BRCA2 are expected to be pathogenic. This variant is interpreted as pathogenic.

Labcorp Genetics (formerly Invitae), Labcorp
Classification: Pathogenic for Hereditary breast ovarian cancer syndrome. Last evaluated: 2025-12-23. Review status: criteria provided, single submitter. Criteria: Invitae Variant Classification Sherloc (09022015). Collection method: clinical testing. Allele origin: germline. Not counted in ClinVar's aggregate classification.
Comment: This sequence change creates a premature translational stop signal (p.Tyr1739*) in the BRCA2 gene. It is expected to result in an absent or disrupted protein product. Loss-of-function variants in BRCA2 are known to be pathogenic (PMID: 20104584). This variant is present in population databases (rs80359496, gnomAD 0.0009%). This premature translational stop signal has been observed in individual(s) with breast cancer and ovarian cancer (PMID: 10717622, 26350514). This variant is also known as 5445del7. ClinVar contains an entry for this variant (Variation ID: 51822). For these reasons, this variant has been classified as Pathogenic.

Color Diagnostics, LLC DBA Color Health
Classification: Pathogenic for Hereditary cancer-predisposing syndrome. Last evaluated: 2025-07-07. Review status: criteria provided, single submitter. Criteria: ACMG Guidelines, 2015. Collection method: clinical testing. Allele origin: germline. Not counted in ClinVar's aggregate classification.
Comment: This variant deletes 7 nucleotides in exon 11 of the BRCA2 gene, creating a frameshift and premature translation stop signal. This variant is expected to result in an absent or non-functional protein product. This variant has been observed in at least six individuals affected with breast and/or ovarian cancer and 2 unaffected individuals, and in suspected hereditary breast and ovarian cancer families (PMID: 10717622, 11710890, 12698193, 21702907, 22776961, 26350514, 33471991Leiden Open Variation Database DB-ID BRCA2_003626). This variant has been identified in 1/248722 chromosomes in the general population by the Genome Aggregation Database (gnomAD). Loss of BRCA2 function is a known mechanism of disease. Based on the available evidence, this variant is classified as Pathogenic.

Ambry Genetics
Classification: Pathogenic for Hereditary cancer-predisposing syndrome. Last evaluated: 2025-06-06. Review status: criteria provided, single submitter. Criteria: Ambry Variant Classification Scheme 2023. Collection method: clinical testing. Allele origin: germline. Not counted in ClinVar's aggregate classification.
Comment: The c.5217_5223delTTTAAGT pathogenic mutation (also known as p.Y1739*), located in coding exon 10 of the BRCA2 gene, results from a deletion of 7 nucleotides at nucleotide positions 5217 to 5223. This changes the amino acid from a tyrosine to a stop codon within coding exon 10. In addition, in a large, clinic-based BRCA1/2 testing cohort in Norway, this variant was detected in 61 families (Heramb C et al. Hered. Cancer Clin. Pract. 2018 Jan;16:3). Of note, this alteration is also designated as 5445del7 in published literature. In addition to the clinical data presented in the literature, this alteration is expected to result in loss of function by premature protein truncation or nonsense-mediated mRNA decay. As such, this alteration is interpreted as a disease-causing mutation.

Mayo Clinic Laboratories, Mayo Clinic
Classification: Pathogenic. Last evaluated: 2024-09-05. Review status: criteria provided, single submitter. Criteria: ACMG Guidelines, 2015. Collection method: clinical testing. Allele origin: germline. Observed: 4 variant alleles. Not counted in ClinVar's aggregate classification.
Comment: PM5_strong, PVS1

Blueprint Genetics
Classification: Pathogenic for BRCA2-related disorders. Last evaluated: 2024-07-17. Review status: criteria provided, single submitter. Criteria: ACMG Guidelines, 2015. Collection method: clinical testing. Allele origin: germline. Affected: yes. Observed: 3 variant alleles. Not counted in ClinVar's aggregate classification.

Fulgent Genetics
Classification: Pathogenic for Familial cancer of breast; Medulloblastoma; Familial prostate cancer; Wilms tumor 1; Fanconi anemia complementation group D1; Breast-ovarian cancer, familial, susceptibility to, 2; Glioma susceptibility 3; Pancreatic cancer, susceptibility to, 2. Last evaluated: 2024-06-17. Review status: criteria provided, single submitter. Criteria: ACMG Guidelines, 2015. Collection method: clinical testing. Allele origin: germline. Not counted in ClinVar's aggregate classification.

Molecular Pathology, Peter Maccallum Cancer Centre
Classification: Pathogenic for Breast-ovarian cancer, familial, susceptibility to, 2. Last evaluated: 2024-05-20. Review status: criteria provided, single submitter. Criteria: ACMG Guidelines, 2015. Collection method: clinical testing. Allele origin: germline. Inheritance: Autosomal dominant inheritance. Not counted in ClinVar's aggregate classification.

GeneDx
Classification: Pathogenic. Last evaluated: 2023-12-13. Review status: criteria provided, single submitter. Criteria: GeneDx Variant Classification Process June 2021. Collection method: clinical testing. Allele origin: germline. Affected: yes. Not counted in ClinVar's aggregate classification.
Comment: Nonsense variant predicted to result in protein truncation or nonsense mediated decay in a gene for which loss-of-function is a known mechanism of disease; Not observed at significant frequency in large population cohorts (gnomAD); Observed in individuals with a personal or family history consistent with pathogenic variants in this gene (PMID: 10717622, 22776961, 26350514, 28888541, 29339979); Truncating variants in this gene are considered pathogenic by a well-established clinical consortium and/or database; Also known as 5445del7; This variant is associated with the following publications: (PMID: 12649099, 26320393, 23242139, 16086312, 10717622, 15131399, 26295337, 26350514, 15993273, 28152038, 22776961, 29339979, 12698193, 29371908, 30720243, 30787465, 31892343, 31447099, 28888541, 35969835, 36623239)

CHEO Genetics Diagnostic Laboratory, Children's Hospital of Eastern Ontario
Classification: Pathogenic for Breast and/or ovarian cancer. Last evaluated: 2023-06-23. Review status: criteria provided, single submitter. Criteria: ACMG Guidelines, 2015. Collection method: clinical testing. Allele origin: germline. Not counted in ClinVar's aggregate classification.

Baylor Genetics
Classification: Pathogenic for Familial cancer of breast. Last evaluated: 2023-03-24. Review status: criteria provided, single submitter. Criteria: ACMG Guidelines, 2015. Collection method: clinical testing. Allele origin: unknown. Not counted in ClinVar's aggregate classification.

NM_000059.4(BRCA2):c.5217_5223del (p.Thr1738_Tyr1739insTer)

Gene: BRCA2 (BRCA2 DNA repair associated; plus strand). Cytogenetic location: 13q13.1.
Variant type: Deletion.
Coding change: c.5217_5223del on transcript NM_000059.4 (MANE Select); coding-DNA positions 5217 to 5223, 7 bases deleted (TTTAAGT; older notation c.5217_5223delTTTAAGT).
Protein change: p.Thr1738_Tyr1739insTer.
Molecular consequence: nonsense.
Genome position (GRCh38, 1-based): chr13:32,339,572-32,339,578, TTTAAGT deleted. VCF-style (leftmost placement, unchanged base first): chr13-32339571-ATTTAAGT-A. GRCh37 (hg19) VCF-style: chr13-32913708-ATTTAAGT-A.
Other names: 5445del5; 5445_5451del7; 5445del7; c.5217_5223del7 (NM_000059.3); c.5217_5223delTTTAAGT (NM_000059.3).
Identifiers: ClinVar variation 51822 (VCV000051822.65), dbSNP rs80359496, ClinGen allele CA021736.